The following is an entry in ClinVar:

ClinVar aggregate classification (germline): Likely pathogenic (1 of 4 stars; one submission).

Conditions:
Spinocerebellar ataxia, autosomal recessive, with axonal neuropathy 2 (SCAN2). Also called: Ataxia-ocular apraxia-2; Ataxia with Oculomotor Apraxia; Ataxia with Oculomotor Apraxia Type 2; ATAXIA-OCULOMOTOR APRAXIA 2. Identifiers: Orphanet 64753, MedGen C1853761, MONDO:0018996, OMIM 606002.

Submission:

Neuberg Centre For Genomic Medicine, NCGM
Classification: Likely pathogenic for Spinocerebellar ataxia, autosomal recessive, with axonal neuropathy 2. Review status: criteria provided, single submitter. Criteria: ACMG Guidelines, 2015. Collection method: clinical testing. Allele origin: germline. Inheritance: Autosomal recessive inheritance. Affected: yes.
Comment: The stop gained c.5505_5507dup (p.Glu1835_Tyr1836insTer) variant in the SETX gene has not been reported previously as a pathogenic variant nor as a benign variant, to our knowledge. This variant is absent in the gnomAD Exomes and 1000 Genomes. The in-frame insertion of a nucleotide causes amino acid sequence ending at a stop codon at position between amino acids Glu1835 and Tyr1836. We are deducing the inserted amino acid sequence from the description given at DNA or RNA level. This variant is predicted to cause loss of normal protein function either through protein truncation or nonsense-mediated mRNA decay. Loss of function variants have been previously reported to be disease causing. For these reasons, this variant has been classified as Likely Pathogenic.

NM_015046.7(SETX):c.5505_5507dup (p.Tyr1836Ter)

Gene: SETX (senataxin; minus strand). Cytogenetic location: 9q34.13.
Variant type: Duplication.
Coding change: c.5505_5507dup on transcript NM_015046.7 (MANE Select); coding-DNA positions 5505 to 5507, 3 bases duplicated (ATA; older notation c.5505_5507dupATA).
Protein change: p.Tyr1836Ter; replaces tyrosine 1836 with a stop codon.
Molecular consequence: nonsense.
Genome position (GRCh38, 1-based): chr9:132,300,671-132,300,673, TAT duplicated on the plus strand (ATA on the coding strand, the reverse complement: SETX is on the minus strand); duplicating any 3 consecutive bases within chr9:132,300,671-132,300,674 gives the same sequence; the c. name uses the placement nearest the transcript's 3' end. VCF-style (leftmost placement, unchanged base first): chr9-132300670-A-ATAT. GRCh37 (hg19) VCF-style: chr9-135176057-A-ATAT.
Other names: c.5505_5507dup, p.Tyr1836Ter (NM_001351527.2, NM_001351528.2); short protein forms Y1836*.
Identifiers: ClinVar variation 3242022 (VCV003242022.1), dbSNP rs2538980290.